The following is an entry in ClinVar:

NM_001382309.1(ATXN7L3):c.107G>T (p.Cys36Phe)

Gene: ATXN7L3 (ataxin 7 like 3; minus strand). Cytogenetic location: 17q21.31.
Variant type: single nucleotide variant.
Coding change: c.107G>T on transcript NM_001382309.1 (MANE Select); coding-DNA position 107, G replaced by T.
Protein change: p.Cys36Phe; replaces cysteine 36 with phenylalanine.
Molecular consequence: missense variant.
Genome position (GRCh38, 1-based): chr17:44,197,675, C>A on the plus strand (G>T on the coding strand, the complement: ATXN7L3 is on the minus strand). VCF-style: chr17-44197675-C-A. GRCh37 (hg19) VCF-style: chr17-42275043-C-A.
Other names: c.107G>T, p.Cys36Phe (NM_001382308.1, NM_001382310.1, NM_001382311.1 and 3 more transcripts); c.128G>T, p.Cys43Phe (NM_001382314.1, NM_001382315.1); short protein forms C36F, C43F.
Identifiers: ClinVar variation 4855902 (VCV004855902.1).

ClinVar aggregate classification (germline): Uncertain significance (1 of 4 stars; one submission).

Conditions:
Harel-Tora neurodevelopmental syndrome. Identifiers: MedGen C6065918, MONDO:0980703, OMIM 621377.

Submission:

3billion
Classification: Uncertain significance for Harel-Tora neurodevelopmental syndrome. Last evaluated: 2026-01-11. Review status: criteria provided, single submitter. Criteria: ACMG Guidelines, 2015. Collection method: clinical testing. Allele origin: germline. Affected: yes.
Comment: The variant is not observed in the gnomAD v4.1.0 dataset. Predicted Consequence/Location: Missense variant In silico tool predictions suggest damaging effect of the variant on gene or gene product [REVEL: 0.63 (>=0.6, sensitivity 0.68 and specificity 0.92)]. Therefore, this variant is classified as VUS according to the recommendation of ACMG/AMP guideline.